The following is an entry in ClinVar:

NM_138927.4(SON):c.3726A>G (p.Ser1242=)

Gene: SON (SON DNA and RNA binding protein; plus strand). Cytogenetic location: 21q22.11.
Variant type: single nucleotide variant.
Coding change: c.3726A>G on transcript NM_138927.4 (MANE Select); coding-DNA position 3726, A replaced by G.
Protein change: p.Ser1242=; no amino-acid change (serine 1242 retained).
Molecular consequence: synonymous variant. On other transcripts: non-coding transcript variant (1), intron variant (1).
Genome position (GRCh38, 1-based): chr21:33,552,957, A>G. VCF-style: chr21-33552957-A-G. GRCh37 (hg19) VCF-style: chr21-34925263-A-G.
Other names: c.3726A>G, p.Ser1242= (NM_001291411.2, NM_032195.3); c.245-4199A>G (NM_001291412.3).
Identifiers: ClinVar variation 708498 (VCV000708498.35), dbSNP rs148591619, ClinGen allele CA10009352.

ClinVar aggregate classification (germline): Benign/Likely benign. Review status: criteria provided, multiple submitters, no conflicts (2 of 4 stars). 4 submissions from 4 submitters: Benign (2); Likely benign (2). Last evaluated 2026-04-01.

Allele frequency attached by ClinVar (database versions not stated): 1000 Genomes Project 30x 0.00016; 1000 Genomes Project 0.00020; ExAC 0.00084; gnomAD exomes 0.00092 and 0.00186; gnomAD 0.00098 and 0.00109; TOPMed 0.00113; ESP Exome Variant Server 0.00146.
gnomAD v4.1: 2,833 of 1,614,218 alleles (0.18%); highest among the groups gnomAD compares: Non-Finnish European, 0.22%; 3 homozygotes.

Submissions (4):

CeGaT Center for Human Genetics Tuebingen
Classification: Likely benign. Last evaluated: 2026-04-01. Review status: criteria provided, single submitter. Criteria: CeGaT Center For Human Genetics Tuebingen Variant Classification Criteria Version 2. Collection method: clinical testing. Allele origin: germline. Affected: yes. Observed: 9 variant alleles.
Comment: SON: BP4, BP7

Labcorp Genetics (formerly Invitae), Labcorp
Classification: Benign. Last evaluated: 2026-01-11. Review status: criteria provided, single submitter. Criteria: Invitae Variant Classification Sherloc (09022015). Collection method: clinical testing. Allele origin: germline.

Blueprint Genetics
Classification: Likely benign. Last evaluated: 2024-11-13. Review status: criteria provided, single submitter. Criteria: ACMG Guidelines, 2015. Collection method: clinical testing. Allele origin: germline.

Breakthrough Genomics
Classification: Benign. Review status: criteria provided, single submitter. Criteria: ACMG Guidelines, 2015. Collection method: not provided. Allele origin: germline. Inheritance: Autosomal dominant inheritance. Affected: yes.